The following is an entry in ClinVar:

NM_000038.6(APC):c.5196G>A (p.Met1732Ile)

Gene: APC (APC regulator of Wnt signaling pathway; plus strand). Cytogenetic location: 5q22.2.
Variant type: single nucleotide variant.
Coding change: c.5196G>A on transcript NM_000038.6 (MANE Select); coding-DNA position 5196, G replaced by A.
Protein change: p.Met1732Ile; replaces methionine 1732 with isoleucine.
Molecular consequence: missense variant. On other transcripts: non-coding transcript variant (2).
Genome position (GRCh38, 1-based): chr5:112,840,790, G>A. VCF-style: chr5-112840790-G-A. GRCh37 (hg19) VCF-style: chr5-112176487-G-A.
Other names: c.5196G>A, p.Met1732Ile (NM_001127510.3, NM_001354895.2, NM_001407450.1); c.5142G>A, p.Met1714Ile (NM_001127511.3); c.5250G>A, p.Met1750Ile (NM_001354896.2, NM_001407447.1, NM_001407448.1 and 1 more transcripts); c.5226G>A, p.Met1742Ile (NM_001354897.2); c.5121G>A, p.Met1707Ile (NM_001354898.2); c.5112G>A, p.Met1704Ile (NM_001354899.2); c.5073G>A, p.Met1691Ile (NM_001354900.2); c.5019G>A, p.Met1673Ile (NM_001354901.2, NM_001407453.1); and 11 more; short protein forms M1348I, M1449I, M1603I, M1631I, M1673I, M1707I, M1760I, M1641I.
Identifiers: ClinVar variation 3410808 (VCV003410808.1).

ClinVar aggregate classification (germline): Uncertain significance (1 of 4 stars; one submission).

Conditions:
Hereditary cancer-predisposing syndrome. Also called: Neoplastic Syndromes, Hereditary; Tumor predisposition; Hereditary Cancer Syndrome; Hereditary neoplastic syndrome. Identifiers: Orphanet 140162, MedGen C0027672, MeSH D009386, MONDO:0015356.

Submission:

Ambry Genetics
Classification: Uncertain significance for Hereditary cancer-predisposing syndrome. Last evaluated: 2024-09-04. Review status: criteria provided, single submitter. Criteria: Ambry Variant Classification Scheme 2023. Collection method: clinical testing. Allele origin: germline.
Comment: The p.M1732I variant (also known as c.5196G>A), located in coding exon 15 of the APC gene, results from a G to A substitution at nucleotide position 5196. The methionine at codon 1732 is replaced by isoleucine, an amino acid with highly similar properties. This amino acid position is conserved. In addition, in silico predictors for this gene do not accurately predict pathogenicity. Based on the available evidence, the clinical significance of this variant remains unclear.